The following is an entry in ClinVar:

NM_144999.4(LRRC45):c.938C>G (p.Ala313Gly)

Gene: LRRC45 (leucine rich repeat containing 45; plus strand). Cytogenetic location: 17q25.3.
Variant type: single nucleotide variant.
Coding change: c.938C>G on transcript NM_144999.4 (MANE Select); coding-DNA position 938, C replaced by G.
Protein change: p.Ala313Gly; replaces alanine 313 with glycine.
Molecular consequence: missense variant.
Genome position (GRCh38, 1-based): chr17:82,028,037, C>G. VCF-style: chr17-82028037-C-G. GRCh37 (hg19) VCF-style: chr17-79985913-C-G.
Other names: short protein forms A313G.
Identifiers: ClinVar variation 3356094 (VCV003356094.1).
Genomic context (GRCh38, chr17:82,028,037, plus strand): 5'-ACCGGGGCGGGGGTGCTGCCCCTCCTTTCTGCAGGCTGCAGATGACAGAGGCCGCCCTGG[C>G]TCTGTCGGAGCAGAAGGCCCAGGACCTGGGGGAGCTCCTGGCCACAGCGGAGCAGGAGCA-3'
Protein context (NP_659436.1, residues 303-323): AKLQMTEAAL[Ala313Gly]LSEQKAQDLG

ClinVar aggregate classification (germline): Uncertain significance (0 of 4 stars; one submission).

Conditions:
LRRC45-related disorder. Also called: LRRC45-related condition.

gnomAD v4.1: 5 of 1,607,032 alleles (0.00031%); highest among the groups gnomAD compares: Non-Finnish European, 0.00034%; no homozygotes.

Submission:

PreventionGenetics, part of Exact Sciences
Classification: Uncertain significance for LRRC45-related condition. Last evaluated: 2024-08-06. Review status: no assertion criteria provided. Collection method: clinical testing. Allele origin: germline.
Comment: The LRRC45 c.938C>G variant is predicted to result in the amino acid substitution p.Ala313Gly. To our knowledge, this variant has not been reported in the literature. This variant is present in 1 of 237228 alleles in gnomAD. At this time, the clinical significance of this variant is uncertain due to the absence of conclusive functional and genetic evidence.